The following is an entry in ClinVar:

NM_173598.6(KSR2):c.543C>T (p.Pro181=)

Gene: KSR2 (kinase suppressor of ras 2; minus strand). Cytogenetic location: 12q24.23.
Variant type: single nucleotide variant.
Coding change: c.543C>T on transcript NM_173598.6 (MANE Select); coding-DNA position 543, C replaced by T.
Protein change: p.Pro181=; no amino-acid change (proline 181 retained).
Molecular consequence: synonymous variant.
Genome position (GRCh38, 1-based): chr12:117,761,454, G>A on the plus strand (C>T on the coding strand, the complement: KSR2 is on the minus strand). VCF-style: chr12-117761454-G-A. GRCh37 (hg19) VCF-style: chr12-118199259-G-A.
Identifiers: ClinVar variation 3036276 (VCV003036276.4), dbSNP rs758688914, ClinGen allele CA6816311.
Genomic context (GRCh38, chr12:117,761,454, plus strand): 5'-GACCCTGGGGCTCTGGGAGAGATGGGTGCGGATCCACGGGGTGGGCTCCGGGGGGCACAC[G>A]GGATTGTTCTCCTTCCCCGTCTCTGTCGTGGGCCACTGGATGGTCCAGTCTTGTTTGGAA-3'
Protein context (NP_775869.4, residues 171-191): PTTETGKENN[Pro181=]VCPPEPTPWI

ClinVar aggregate classification (germline): Likely benign. Review status: criteria provided, single submitter (1 of 4 stars). 2 submissions from 2 submitters: Likely benign (1). 1 of the submissions does not count toward it. Last evaluated 2025-02-05.

Conditions:
KSR2-related disorder. Also called: KSR2-related condition.

Allele frequency attached by ClinVar (database versions not stated): gnomAD 0.00001; ExAC 0.00002; gnomAD exomes 0.00004; TOPMed 0.00001.
gnomAD v4.1: 60 of 1,612,950 alleles (0.0037%); highest among the groups gnomAD compares: East Asian, 0.011%; no homozygotes.

Submissions (2):

Labcorp Genetics (formerly Invitae), Labcorp
Classification: Likely benign. Last evaluated: 2025-02-05. Review status: criteria provided, single submitter. Criteria: Invitae Variant Classification Sherloc (09022015). Collection method: clinical testing. Allele origin: germline.

PreventionGenetics, part of Exact Sciences
Classification: Likely benign for KSR2-related condition. Last evaluated: 2020-07-09. Review status: no assertion criteria provided. Collection method: clinical testing. Allele origin: germline. Not counted in ClinVar's aggregate classification.
Comment: This variant is classified as likely benign based on ACMG/AMP sequence variant interpretation guidelines (Richards et al. 2015 PMID: 25741868, with internal and published modifications).